The following is an entry in ClinVar:

NM_002582.4(PARN):c.839C>T (p.Ser280Leu)

Gene: PARN (poly(A)-specific ribonuclease; minus strand). Cytogenetic location: 16p13.12.
Variant type: single nucleotide variant.
Coding change: c.839C>T on transcript NM_002582.4 (MANE Select); coding-DNA position 839, C replaced by T.
Protein change: p.Ser280Leu; replaces serine 280 with leucine.
Molecular consequence: missense variant.
Genome position (GRCh38, 1-based): chr16:14,599,905, G>A on the plus strand (C>T on the coding strand, the complement: PARN is on the minus strand). VCF-style: chr16-14599905-G-A. GRCh37 (hg19) VCF-style: chr16-14693762-G-A.
Other names: c.656C>T, p.Ser219Leu (NM_001134477.3); c.701C>T, p.Ser234Leu (NM_001242992.2); short protein forms S219L, S280L, S234L.
Identifiers: ClinVar variation 1413057 (VCV001413057.10), dbSNP rs774827522, ClinGen allele CA7912277.

ClinVar aggregate classification (germline): Uncertain significance. Review status: criteria provided, multiple submitters, no conflicts (2 of 4 stars). 3 submissions from 3 submitters: Uncertain significance (3). Last evaluated 2024-02-23.

Conditions:
Pulmonary fibrosis. Identifiers: MedGen C0034069, MONDO:0002771, HP:0002206.
Pulmonary fibrosis and/or bone marrow failure, Telomere-related, 4. Also called: PULMONARY FIBROSIS AND/OR BONE MARROW FAILURE SYNDROME, TELOMERE-RELATED, 4. Identifiers: Orphanet 2032, MedGen C4225347, MONDO:0014612, OMIM 616371.
Dyskeratosis congenita, autosomal recessive 6 (DKCB6). Identifiers: MedGen C4225356, MONDO:0014600, OMIM 616353.

Allele frequency attached by ClinVar (database versions not stated): TOPMed 0.00002.
gnomAD v4.1: 8 of 1,596,202 alleles (0.0005%); highest among the groups gnomAD compares: Non-Finnish European, 0.00068%; no homozygotes.

Submissions (3):

Blueprint Genetics
Classification: Uncertain significance. Last evaluated: 2024-02-23. Review status: criteria provided, single submitter. Criteria: ACMG Guidelines, 2015. Collection method: clinical testing. Allele origin: germline.

Labcorp Genetics (formerly Invitae), Labcorp
Classification: Uncertain significance for Dyskeratosis congenita, autosomal recessive 6; Pulmonary fibrosis and/or bone marrow failure, Telomere-related, 4. Last evaluated: 2022-11-12. Review status: criteria provided, single submitter. Criteria: Invitae Variant Classification Sherloc (09022015). Collection method: clinical testing. Allele origin: germline.
Comment: This variant has not been reported in the literature in individuals affected with PARN-related conditions. This sequence change replaces serine, which is neutral and polar, with leucine, which is neutral and non-polar, at codon 280 of the PARN protein (p.Ser280Leu). This variant is present in population databases (rs774827522, gnomAD 0.002%). ClinVar contains an entry for this variant (Variation ID: 1413057). Algorithms developed to predict the effect of missense changes on protein structure and function are either unavailable or do not agree on the potential impact of this missense change (SIFT: "Deleterious"; PolyPhen-2: "Probably Damaging"; Align-GVGD: "Class C0"). In summary, the available evidence is currently insufficient to determine the role of this variant in disease. Therefore, it has been classified as a Variant of Uncertain Significance.

Cambridge Genomics Laboratory, East Genomic Laboratory Hub, NHS Genomic Medicine Service
Classification: Uncertain significance for Pulmonary fibrosis. Last evaluated: 2019-11-14. Review status: criteria provided, single submitter. Criteria: ACGS Best Practice Guidelines for Variant Classification in Rare Disease 2020. Collection method: clinical testing. Allele origin: germline. Affected: yes. Observed: 1 variant allele.